The following is an entry in ClinVar:

NM_001103.4(ACTN2):c.2649G>A (p.Ala883=)

Gene: ACTN2 (actinin alpha 2; plus strand). Cytogenetic location: 1q43.
Variant type: single nucleotide variant.
Coding change: c.2649G>A on transcript NM_001103.4 (MANE Select); coding-DNA position 2649, G replaced by A.
Protein change: p.Ala883=; no amino-acid change (alanine 883 retained).
Molecular consequence: synonymous variant.
Genome position (GRCh38, 1-based): chr1:236,762,583, G>A. VCF-style: chr1-236762583-G-A. GRCh37 (hg19) VCF-style: chr1-236925883-G-A.
Other names: c.2649G>A, p.Ala883= (NM_001278343.2); c.2025G>A, p.Ala675= (NM_001278344.2).
Identifiers: ClinVar variation 43934 (VCV000043934.62), dbSNP rs146426213, ClinGen allele CA133192.

ClinVar aggregate classification (germline): Benign/Likely benign. Review status: criteria provided, multiple submitters, no conflicts (2 of 4 stars). 15 submissions from 15 submitters: Benign (6); Likely benign (4). 5 of the submissions do not count toward it. Last evaluated 2026-02-01.

Conditions:
Cardiovascular phenotype. Identifiers: MedGen CN230736.
Cardiomyopathy (CMYO). Also called: Cardiomyopathies. Identifiers: Orphanet 167848, MedGen C0878544, MONDO:0004994, HP:0001638. Inheritance: Various modes of inheritance.
Dilated cardiomyopathy 1AA (CMD1AA). Also called: CARDIOMYOPATHY, DILATED, 1AA, WITH OR WITHOUT LEFT VENTRICULAR NONCOMPACTION; CARDIOMYOPATHY, FAMILIAL HYPERTROPHIC, 23, WITH OR WITHOUT LEFT VENTRICULAR NONCOMPACTION; Cardiomyopathy, dilated, 1AA, with or without LVNC. Identifiers: Orphanet 154, MedGen C2677338, MONDO:0012808, OMIM 612158.
Primary familial hypertrophic cardiomyopathy (HCM). Identifiers: Orphanet 99739, MedGen C0949658, MeSH D024741, MONDO:0024573. Inheritance: Various modes of inheritance.

Allele frequency attached by ClinVar (database versions not stated): 1000 Genomes Project 30x 0.00016; 1000 Genomes Project 0.00020; TOPMed 0.00064; gnomAD 0.00065 and 0.00066; gnomAD exomes 0.00068 and 0.00088; ExAC 0.00077; ESP Exome Variant Server 0.00077.
gnomAD v4.1: 1,358 of 1,614,146 alleles (0.084%); highest among the groups gnomAD compares: Non-Finnish European, 0.11%; no homozygotes.

Submissions (15):

Labcorp Genetics (formerly Invitae), Labcorp
Classification: Benign for Primary familial hypertrophic cardiomyopathy; Dilated cardiomyopathy 1AA. Last evaluated: 2026-02-01. Review status: criteria provided, single submitter. Criteria: Invitae Variant Classification Sherloc (09022015). Collection method: clinical testing. Allele origin: germline.

Molecular Diagnostic Laboratory for Inherited Cardiovascular Disease, Montreal Heart Institute
Classification: Benign. Last evaluated: 2025-04-09. Review status: criteria provided, single submitter. Criteria: ACMG Guidelines, 2015. Collection method: clinical testing. Allele origin: germline. Affected: no.

Blueprint Genetics
Classification: Likely benign. Last evaluated: 2024-10-25. Review status: criteria provided, single submitter. Criteria: ACMG Guidelines, 2015. Collection method: clinical testing. Allele origin: germline.

CeGaT Center for Human Genetics Tuebingen
Classification: Likely benign. Last evaluated: 2023-01-01. Review status: criteria provided, single submitter. Criteria: CeGaT Center For Human Genetics Tuebingen Variant Classification Criteria Version 2. Collection method: clinical testing. Allele origin: germline. Affected: yes. Observed: 2 variant alleles.
Comment: ACTN2: BP4, BP7

ARUP Laboratories, Molecular Genetics and Genomics, ARUP Laboratories
Classification: Benign. Last evaluated: 2020-12-17. Review status: criteria provided, single submitter. Criteria: ARUP Molecular Germline Variant Investigation Process 2021. Collection method: clinical testing. Allele origin: germline.

Women's Health and Genetics/Laboratory Corporation of America, LabCorp
Classification: Benign. Last evaluated: 2020-12-06. Review status: criteria provided, single submitter. Criteria: LabCorp Variant Classification Summary - May 2015. Collection method: clinical testing. Allele origin: germline.

CHEO Genetics Diagnostic Laboratory, Children's Hospital of Eastern Ontario
Classification: Benign for Cardiomyopathy. Last evaluated: 2019-09-05. Review status: criteria provided, single submitter. Criteria: ACMG Guidelines, 2015. Collection method: clinical testing. Allele origin: germline.

Ambry Genetics
Classification: Likely benign for Cardiovascular phenotype. Last evaluated: 2016-01-25. Review status: criteria provided, single submitter. Criteria: Ambry Variant Classification Scheme 2023. Collection method: clinical testing. Allele origin: germline.

GeneDx
Classification: Benign. Last evaluated: 2015-03-03. Review status: criteria provided, single submitter. Criteria: GeneDx Variant Classification Process June 2021. Collection method: clinical testing. Allele origin: germline. Affected: yes.

Laboratory for Molecular Medicine, Mass General Brigham Personalized Medicine
Classification: Likely benign. Last evaluated: 2012-03-19. Review status: criteria provided, single submitter. Criteria: LMM Criteria. Collection method: clinical testing. Allele origin: germline. Observed: 10 variant alleles.
Comment: p.Ala883Ala in exon 21 of ACTN2: This variant is not expected to have clinical s ignificance because it does not alter an amino acid residue and is not located w ithin the splice consensus sequence. It has been identified in 0.1% (6/7020) of European American chromosomes from a broad population by the NHLBI Exome Sequenc ing Project (dbSNP rs146426213).

Clinical Genetics DNA and cytogenetics Diagnostics Lab, Erasmus MC, Erasmus Medical Center
Classification: Likely benign. Review status: no assertion criteria provided. Collection method: clinical testing. Allele origin: germline. Affected: yes. Study: VKGL Data-share Consensus. Not counted in ClinVar's aggregate classification.

Clinical Genetics, Academic Medical Center
Classification: Benign. Review status: no assertion criteria provided. Collection method: clinical testing. Allele origin: germline. Affected: yes. Study: VKGL Data-share Consensus. Not counted in ClinVar's aggregate classification.

Diagnostic Laboratory, Department of Genetics, University Medical Center Groningen
Classification: Likely benign for Dilated cardiomyopathy 1AA. Review status: no assertion criteria provided. Collection method: clinical testing. Allele origin: germline. Affected: yes. Study: VKGL Data-share Consensus. Not counted in ClinVar's aggregate classification.

Genome Diagnostics Laboratory, University Medical Center Utrecht
Classification: Likely benign. Review status: no assertion criteria provided. Collection method: clinical testing. Allele origin: germline. Affected: yes. Study: VKGL Data-share Consensus. Not counted in ClinVar's aggregate classification.

Joint Genome Diagnostic Labs from Nijmegen and Maastricht, Radboudumc and MUMC+
Classification: Benign. Review status: no assertion criteria provided. Collection method: clinical testing. Allele origin: germline. Affected: yes. Study: VKGL Data-share Consensus. Not counted in ClinVar's aggregate classification.